The following is an entry in ClinVar:

ClinVar aggregate classification (germline): Conflicting classifications of pathogenicity. Review status: criteria provided, conflicting classifications (1 of 4 stars). 6 submissions from 6 submitters: Likely pathogenic (2); Uncertain significance (3). 1 of the submissions does not count toward it. Last evaluated 2024-10-16.

Conditions:
Infantile liver failure syndrome 2 (ILFS2). Identifiers: MedGen C3809651, MONDO:0014659, OMIM 616483.

Allele frequency attached by ClinVar (database versions not stated): ExAC 0.00001; gnomAD 0.00001; gnomAD exomes 0.00001.
gnomAD v4.1: 5 of 1,613,720 alleles (0.00031%); highest among the groups gnomAD compares: Admixed American, 0.005%; no homozygotes.

Submissions (6):

Labcorp Genetics (formerly Invitae), Labcorp
Classification: Uncertain significance. Last evaluated: 2024-10-16. Review status: criteria provided, single submitter. Criteria: Invitae Variant Classification Sherloc (09022015). Collection method: clinical testing. Allele origin: germline.
Comment: This sequence change replaces histidine, which is basic and polar, with proline, which is neutral and non-polar, at codon 227 of the NBAS protein (p.His227Pro). This variant is present in population databases (rs748880753, gnomAD 0.003%). This missense change has been observed in individual(s) with acute liver failure (PMID: 28576691). In at least one individual the data is consistent with being in trans (on the opposite chromosome) from a pathogenic variant. It has also been observed to segregate with disease in related individuals. ClinVar contains an entry for this variant (Variation ID: 424843). Invitae Evidence Modeling of protein sequence and biophysical properties (such as structural, functional, and spatial information, amino acid conservation, physicochemical variation, residue mobility, and thermodynamic stability) has been performed for this missense variant. However, the output from this modeling did not meet the statistical confidence thresholds required to predict the impact of this variant on NBAS protein function. In summary, the available evidence is currently insufficient to determine the role of this variant in disease. Therefore, it has been classified as a Variant of Uncertain Significance.

Dasa
Classification: Uncertain significance. Last evaluated: 2024-10-03. Review status: criteria provided, single submitter. Criteria: DASA Assertion Criteria. Collection method: clinical testing. Allele origin: germline.
Comment: NM_015909.4(NBAS):c.680A>C (p.His227Pro) is a missense variant that results in the substitution of histidine with proline. This variant has been observed in affected individuals with NBAS-related disorders. Also, this variant is rare in population databases. The currently available literature and clinical evidence are not sufficient to establish a definitive association between this variant and the reported condition. Therefore, this variant is classified as a variant of uncertain significance.

GeneDx
Classification: Likely pathogenic. Last evaluated: 2024-04-05. Review status: criteria provided, single submitter. Criteria: GeneDx Variant Classification Process June 2021. Collection method: clinical testing. Allele origin: germline. Affected: yes.
Comment: Not observed at significant frequency in large population cohorts (gnomAD); In silico analysis supports that this missense variant has a deleterious effect on protein structure/function; This variant is associated with the following publications: (PMID: 31589614, 33042920, 28576691)

Women's Health and Genetics/Laboratory Corporation of America, LabCorp
Classification: Uncertain significance. Last evaluated: 2023-11-16. Review status: criteria provided, single submitter. Criteria: LabCorp Variant Classification Summary - May 2015. Collection method: clinical testing. Allele origin: germline.
Comment: Variant summary: NBAS c.680A>C (p.His227Pro) results in a non-conservative amino acid change located in the Neuroblastoma-amplified sequence, N-terminal domain (IPR029145) of the encoded protein sequence. Four of five in-silico tools predict a damaging effect of the variant on protein function. The variant allele was found at a frequency of 8e-06 in 251406 control chromosomes (gnomAD). c.680A>C has been reported in the literature as a compound heterozygous genotype in at-least two comprehensively genotyped siblings affected with Liver Failure Acute Infantile, Type 2, and has also been subsequently cited by others (example, Regateiro_2017, Khoreva_2020). These data indicate that the variant may be associated with disease. To our knowledge, no experimental evidence demonstrating an impact on protein function has been reported. The following publications have been ascertained in the context of this evaluation (PMID: 33042920, 28576691). Two submitters have cited clinical-significance assessments for this variant to ClinVar after 2014. One submitter classified the variant as likely pathogenic, and one submitter classified the variant as uncertain significance. Based on the evidence outlined above, the variant was classified as VUS-possibly pathogenic.

Mendelics
Classification: Likely pathogenic for Infantile liver failure syndrome 2. Last evaluated: 2019-05-28. Review status: criteria provided, single submitter. Criteria: Mendelics Assertion Criteria 2017. Collection method: clinical testing. Allele origin: unknown.

Laboratory of Jean-Laurent Casanova, The Rockefeller University
Classification: Pathogenic for Infantile liver failure syndrome 2. Review status: no assertion criteria provided. Collection method: clinical testing. Allele origin: germline. Inheritance: Autosomal recessive inheritance. Affected: yes. Observed: 2 compound heterozygotes. Not counted in ClinVar's aggregate classification.

Literature cited by the submitters: PubMed 28576691 (cited by 3 submitters); PubMed 33042920 (cited by Women's Health and Genetics/Laboratory Corporation of America, LabCorp).

NM_015909.4(NBAS):c.680A>C (p.His227Pro)

Gene: NBAS (NBAS subunit of NRZ tethering complex; minus strand). Cytogenetic location: 2p24.3.
Variant type: single nucleotide variant.
Coding change: c.680A>C on transcript NM_015909.4 (MANE Select); coding-DNA position 680, A replaced by C.
Protein change: p.His227Pro; replaces histidine 227 with proline.
Molecular consequence: missense variant. On other transcripts: non-coding transcript variant (1).
Genome position (GRCh38, 1-based): chr2:15,534,609, T>G on the plus strand (A>C on the coding strand, the complement: NBAS is on the minus strand). VCF-style: chr2-15534609-T-G. GRCh37 (hg19) VCF-style: chr2-15674733-T-G.
Other names: short protein forms H227P.
Identifiers: ClinVar variation 424843 (VCV000424843.11), dbSNP rs748880753, ClinGen allele CA1536947.